The following is an entry in ClinVar:

NM_001843.4(CNTN1):c.499G>A (p.Asp167Asn)

Gene: CNTN1 (contactin 1; plus strand). Cytogenetic location: 12q12.
Variant type: single nucleotide variant.
Coding change: c.499G>A on transcript NM_001843.4 (MANE Select); coding-DNA position 499, G replaced by A.
Protein change: p.Asp167Asn; replaces aspartic acid 167 with asparagine.
Molecular consequence: missense variant.
Genome position (GRCh38, 1-based): chr12:40,929,798, G>A. VCF-style: chr12-40929798-G-A. GRCh37 (hg19) VCF-style: chr12-41323600-G-A.
Other names: c.499G>A, p.Asp167Asn (NM_001256063.2, NM_001256064.2); c.466G>A, p.Asp156Asn (NM_175038.2); c.499G>A (NM_001843.2); short protein forms D156N, D167N.
Identifiers: ClinVar variation 1345518 (VCV001345518.7), dbSNP rs1285012875, ClinGen allele CA384422450.

ClinVar aggregate classification (germline): Uncertain significance. Review status: criteria provided, multiple submitters, no conflicts (2 of 4 stars). 2 submissions from 2 submitters: Uncertain significance (2). Last evaluated 2024-07-09.

Conditions:
Inborn genetic diseases. Identifiers: MedGen C0950123, MeSH D030342.
Compton-North congenital myopathy (CMYO12). Identifiers: Orphanet 210163, MedGen C2675527, MONDO:0012929, OMIM 612540.

gnomAD v4.1: 1 of 1,610,054 alleles (0.000062%); highest among the groups gnomAD compares: Admixed American, 0.0017%; no homozygotes.

Submissions (2):

Ambry Genetics
Classification: Uncertain significance for Inborn genetic diseases. Last evaluated: 2024-07-09. Review status: criteria provided, single submitter. Criteria: Ambry Variant Classification Scheme 2023. Collection method: clinical testing. Allele origin: germline.

Labcorp Genetics (formerly Invitae), Labcorp
Classification: Uncertain significance for Compton-North congenital myopathy. Last evaluated: 2022-06-05. Review status: criteria provided, single submitter. Criteria: Invitae Variant Classification Sherloc (09022015). Collection method: clinical testing. Allele origin: germline.
Comment: This sequence change replaces aspartic acid, which is acidic and polar, with asparagine, which is neutral and polar, at codon 167 of the CNTN1 protein (p.Asp167Asn). This variant is not present in population databases (gnomAD no frequency). This variant has not been reported in the literature in individuals affected with CNTN1-related conditions. ClinVar contains an entry for this variant (Variation ID: 1345518). Algorithms developed to predict the effect of missense changes on protein structure and function are either unavailable or do not agree on the potential impact of this missense change (SIFT: "Deleterious"; PolyPhen-2: "Possibly Damaging"; Align-GVGD: "Class C0"). In summary, the available evidence is currently insufficient to determine the role of this variant in disease. Therefore, it has been classified as a Variant of Uncertain Significance.